The following is an entry in ClinVar:

NM_001267550.2(TTN):c.17500G>A (p.Val5834Ile)

Genes: TTN (titin; minus strand), LOC126806431 (CDK7 strongly-dependent group 2 enhancer GRCh37_chr2:179595719-179596918; plus strand). Cytogenetic location: 2q31.2.
Variant type: single nucleotide variant.
Coding change: c.17500G>A on transcript NM_001267550.2 (MANE Select); coding-DNA position 17500, G replaced by A.
Protein change: p.Val5834Ile; replaces valine 5834 with isoleucine.
Molecular consequence: missense variant. On other transcripts: intron variant (3).
Genome position (GRCh38, 1-based): chr2:178,731,165, C>T on the plus strand (G>A on the coding strand, the complement: TTN is on the minus strand). VCF-style: chr2-178731165-C-T. GRCh37 (hg19) VCF-style: chr2-179595892-C-T.
Other names: c.13768G>A, p.Val4590Ile (NM_133378.4); c.16549G>A, p.Val5517Ile (NM_001256850.1); c.13282+6917G>A (NM_003319.4); c.13858+6917G>A (NM_133437.4); c.13657+6917G>A (NM_133432.3); short protein forms V4590I, V5834I, V5517I.
Identifiers: ClinVar variation 179918 (VCV000179918.23), dbSNP rs727505221, ClinGen allele CA185428.

ClinVar aggregate classification (germline): Conflicting classifications of pathogenicity. Review status: criteria provided, conflicting classifications (1 of 4 stars). 7 submissions from 7 submitters: Uncertain significance (4); Likely benign (3). Last evaluated 2025-08-01.

Allele frequency attached by ClinVar (database versions not stated): gnomAD 0.00001; ExAC 0.00002; gnomAD exomes 0.00002 and 0.00005; TOPMed 0.00003.
gnomAD v4.1: 80 of 1,613,486 alleles (0.005%); highest among the groups gnomAD compares: Middle Eastern, 0.016%; no homozygotes.

Submissions (7):

CeGaT Center for Human Genetics Tuebingen
Classification: Uncertain significance. Last evaluated: 2025-08-01. Review status: criteria provided, single submitter. Criteria: CeGaT Center For Human Genetics Tuebingen Variant Classification Criteria Version 2. Collection method: clinical testing. Allele origin: germline. Affected: yes. Observed: 1 variant allele.
Comment: TTN: PM2

Revvity Omics, Revvity
Classification: Uncertain significance. Last evaluated: 2025-04-24. Review status: criteria provided, single submitter. Criteria: ACMG Guidelines, 2015. Collection method: clinical testing. Allele origin: germline.

Women's Health and Genetics/Laboratory Corporation of America, LabCorp
Classification: Uncertain significance. Last evaluated: 2025-04-23. Review status: criteria provided, single submitter. Criteria: LabCorp Variant Classification Summary - May 2015. Collection method: clinical testing. Allele origin: germline.
Comment: Variant summary: TTN c.13768G>A (p.Val4590Ile) results in a conservative amino acid change located in the I-band region of the encoded protein sequence. Two of three in-silico tools predict a damaging effect of the variant on protein function. The variant allele was found at a frequency of 2.4e-05 in 248664 control chromosomes (gnomAD). The available data on variant occurrences in the general population are insufficient to allow any conclusion about variant significance. To our knowledge, no occurrence of c.13768G>A in individuals affected with Dilated Cardiomyopathy and no experimental evidence demonstrating its impact on protein function have been reported. ClinVar contains an entry for this variant (Variation ID: 179918). Based on the evidence outlined above, the variant was classified as uncertain significance.

Molecular Diagnostic Laboratory for Inherited Cardiovascular Disease, Montreal Heart Institute
Classification: Likely benign. Last evaluated: 2025-04-09. Review status: criteria provided, single submitter. Criteria: ACMG Guidelines, 2015. Collection method: clinical testing. Allele origin: germline. Affected: no.

Blueprint Genetics
Classification: Likely benign. Last evaluated: 2024-09-13. Review status: criteria provided, single submitter. Criteria: ACMG Guidelines, 2015. Collection method: clinical testing. Allele origin: germline.

GeneDx
Classification: Likely benign. Last evaluated: 2019-12-11. Review status: criteria provided, single submitter. Criteria: GeneDx Variant Classification Process June 2021. Collection method: clinical testing. Allele origin: germline. Affected: yes.

Laboratory for Molecular Medicine, Mass General Brigham Personalized Medicine
Classification: Uncertain significance. Last evaluated: 2014-07-31. Review status: criteria provided, single submitter. Criteria: LMM Criteria. Collection method: clinical testing. Allele origin: germline. Observed: 1 variant allele.
Comment: The Val4590Ile variant in TTN has not been previously reported in individuals wi th cardiomyopathy or in large population studies. Computational prediction tools and conservation analysis do not provide strong support for or against an impac t to the protein. In summary, the clinical significance of the Val4590Ile varian t is uncertain.